The following is an entry in ClinVar:

NM_000186.4(CFH):c.418A>G (p.Ile140Val)

Gene: CFH (complement factor H; plus strand). Cytogenetic location: 1q31.3.
Variant type: single nucleotide variant.
Coding change: c.418A>G on transcript NM_000186.4 (MANE Select); coding-DNA position 418, A replaced by G.
Protein change: p.Ile140Val; replaces isoleucine 140 with valine.
Molecular consequence: missense variant.
Genome position (GRCh38, 1-based): chr1:196,676,056, A>G. VCF-style: chr1-196676056-A-G. GRCh37 (hg19) VCF-style: chr1-196645186-A-G.
Other names: c.418A>G (NM_000186.3); c.418A>G, p.Ile140Val (NM_001014975.3); short protein forms I140V.
Identifiers: ClinVar variation 1366610 (VCV001366610.10), dbSNP rs1351991613, ClinGen allele CA343976733.
Genomic context (GRCh38, chr1:196,676,056, plus strand): 5'-TTGCTAGGTGAGATTAATTACCGTGAATGTGACACAGATGGATGGACCAATGATATTCCT[A>G]TATGTGAAGGTAGACATAAAATGTATTTACAAGTATATTGAAATAAATATCTAAGATTTA-3'
Protein context (NP_000177.2, residues 130-150): DTDGWTNDIP[Ile140Val]CEVVKCLPVT

ClinVar aggregate classification (germline): Uncertain significance. Review status: criteria provided, multiple submitters, no conflicts (2 of 4 stars). 3 submissions from 3 submitters: Uncertain significance (3). Last evaluated 2025-06-05.

Conditions:
Inborn genetic diseases. Identifiers: MedGen C0950123, MeSH D030342.
Basal laminar drusen. Also called: DRUSEN OF BRUCH MEMBRANE; DRUSEN, CUTICULAR; DRUSEN, EARLY ADULT-ONSET, GROUPED. Identifiers: Orphanet 75376, MedGen C0730295, MONDO:0007472, OMIM 126700.
Factor H deficiency (CFHD). Also called: CFH DEFICIENCY; COMPLEMENT FACTOR H DEFICIENCY. Identifiers: Orphanet 200421, MedGen C0398777, MONDO:0012350, OMIM 609814.
Age related macular degeneration 4. Identifiers: MedGen C1853147, MONDO:0012540, OMIM 610698.
Hemolytic uremic syndrome, atypical, susceptibility to, 1. Also called: AHUS, SUSCEPTIBILITY TO, 1. Identifiers: Orphanet 2134, Orphanet 90038, MedGen C2749604, MONDO:0009335, OMIM 235400. Disease mechanism: Other.

Allele frequency attached by ClinVar (database versions not stated): gnomAD exomes below 0.00001.
gnomAD v4.1: 2 of 1,593,196 alleles (0.00013%); highest among the groups gnomAD compares: Admixed American, 0.0017%; no homozygotes.

Submissions (3):

Labcorp Genetics (formerly Invitae), Labcorp
Classification: Uncertain significance. Last evaluated: 2025-06-05. Review status: criteria provided, single submitter. Criteria: Invitae Variant Classification Sherloc (09022015). Collection method: clinical testing. Allele origin: germline.
Comment: This sequence change replaces isoleucine, which is neutral and non-polar, with valine, which is neutral and non-polar, at codon 140 of the CFH protein (p.Ile140Val). The frequency data for this variant in the population databases is considered unreliable, as metrics indicate poor data quality at this position in the gnomAD database. This variant has not been reported in the literature in individuals affected with CFH-related conditions. ClinVar contains an entry for this variant (Variation ID: 1366610). An algorithm developed to predict the effect of missense changes on protein structure and function outputs the following: PolyPhen-2: "Benign". The valine amino acid residue is found in multiple mammalian species, which suggests that this missense change does not adversely affect protein function. In summary, the available evidence is currently insufficient to determine the role of this variant in disease. Therefore, it has been classified as a Variant of Uncertain Significance.

Ambry Genetics
Classification: Uncertain significance for Inborn genetic diseases. Last evaluated: 2024-08-05. Review status: criteria provided, single submitter. Criteria: Ambry Variant Classification Scheme 2023. Collection method: clinical testing. Allele origin: germline.

Fulgent Genetics
Classification: Uncertain significance for Basal laminar drusen; Hemolytic uremic syndrome, atypical, susceptibility to, 1; Factor H deficiency; Age related macular degeneration 4. Last evaluated: 2024-05-23. Review status: criteria provided, single submitter. Criteria: ACMG Guidelines, 2015. Collection method: clinical testing. Allele origin: germline.